The following is an entry in ClinVar:

ClinVar aggregate classification (germline): Uncertain significance. Review status: criteria provided, multiple submitters, no conflicts (2 of 4 stars). 3 submissions from 3 submitters: Uncertain significance (2). 1 of the submissions does not count toward it. Last evaluated 2021-09-17.

Conditions:
Imerslund-Grasbeck syndrome type 1 (IGS1). Also called: Megaloblastic anemia 1, Finnish type; MEGALOBLASTIC ANEMIA, 1; Imerslund-Gräsbeck syndrome 1. Identifiers: MedGen C4016819, MONDO:0100156, OMIM 261100.
CUBN-related disorder. Also called: CUBN-related condition.
Imerslund-Grasbeck syndrome. Also called: Megaloblastic anemia due to inborn errors of metabolism; Imerslund-Gräsbeck syndrome; ENTEROCYTE COBALAMIN MALABSORPTION; ENTEROCYTE INTRINSIC FACTOR RECEPTOR, DEFECT OF; PERNICIOUS ANEMIA, JUVENILE, DUE TO SELECTIVE INTESTINAL MALABSORPTION OF VITAMIN B12, WITH PROTEINURIA. Identifiers: Orphanet 35858, MedGen C4551825, MONDO:0009853.

Allele frequency attached by ClinVar (database versions not stated): gnomAD exomes 0.00010 and 0.00013; TOPMed 0.00030; ESP Exome Variant Server 0.00062; 1000 Genomes Project 30x 0.00094; gnomAD 0.00026; 1000 Genomes Project 0.00100; ExAC 0.00012.
gnomAD v4.1: 221 of 1,614,020 alleles (0.014%); highest among the groups gnomAD compares: African/African-American, 0.089%; no homozygotes.

Submissions (3):

Labcorp Genetics (formerly Invitae), Labcorp
Classification: Uncertain significance for Imerslund-Grasbeck syndrome. Last evaluated: 2021-09-17. Review status: criteria provided, single submitter. Criteria: Invitae Variant Classification Sherloc (09022015). Collection method: clinical testing. Allele origin: germline.
Comment: This sequence change affects codon 1389 of the CUBN mRNA. It is a 'silent' change, meaning that it does not change the encoded amino acid sequence of the CUBN protein. This variant is present in population databases (rs150510291, ExAC 0.09%). This variant has not been reported in the literature in individuals with CUBN-related disease. ClinVar contains an entry for this variant (Variation ID: 299482). Algorithms developed to predict the effect of sequence changes on RNA splicing suggest that this variant is not likely to affect RNA splicing, but this prediction has not been confirmed by published transcriptional studies. In summary, the available evidence is currently insufficient to determine the role of this variant in disease. Therefore, it has been classified as a Variant of Uncertain Significance.

Illumina Laboratory Services, Illumina
Classification: Uncertain significance for Imerslund-Grasbeck syndrome type 1. Last evaluated: 2018-01-12. Review status: criteria provided, single submitter. Criteria: ICSL Variant Classification Criteria 13 December 2019. Collection method: clinical testing. Allele origin: germline.

PreventionGenetics, part of Exact Sciences
Classification: Likely benign for CUBN-related condition. Last evaluated: 2019-05-27. Review status: no assertion criteria provided. Collection method: clinical testing. Allele origin: germline. Not counted in ClinVar's aggregate classification.
Comment: This variant is classified as likely benign based on ACMG/AMP sequence variant interpretation guidelines (Richards et al. 2015 PMID: 25741868, with internal and published modifications).

NM_001081.4(CUBN):c.4167C>T (p.Tyr1389=)

Gene: CUBN (cubilin; minus strand). Cytogenetic location: 10p13.
Variant type: single nucleotide variant.
Coding change: c.4167C>T on transcript NM_001081.4 (MANE Select); coding-DNA position 4167, C replaced by T.
Protein change: p.Tyr1389=; no amino-acid change (tyrosine 1389 retained).
Molecular consequence: synonymous variant.
Genome position (GRCh38, 1-based): chr10:17,019,834, G>A on the plus strand (C>T on the coding strand, the complement: CUBN is on the minus strand). VCF-style: chr10-17019834-G-A. GRCh37 (hg19) VCF-style: chr10-17061833-G-A.
Identifiers: ClinVar variation 299482 (VCV000299482.12), dbSNP rs150510291, ClinGen allele CA5424480.